The following is an entry in ClinVar:

ClinVar aggregate classification (germline): Uncertain significance (1 of 4 stars; one submission).

Conditions:
Hao-Fountain syndrome due to USP7 mutation. Also called: USP7-Related Hao Fountain Syndrome. Identifiers: Orphanet 643538, MedGen C5816734, MONDO:0958071, OMIM 616863.

Submission:

Clinical Genomics Laboratory, Washington University in St. Louis
Classification: Uncertain significance for Hao-Fountain syndrome due to USP7 mutation. Last evaluated: 2026-04-20. Review status: criteria provided, single submitter. Criteria: ACMG Guidelines, 2015. Collection method: clinical testing. Allele origin: germline.
Comment: The USP7 c.2476G>T (p.Val826Phe) variant, to our knowledge, has not been reported in the medical literature and is absent from the general population (gnomAD v4.1.0), indicating it is not a common variant. Computational predictors are uncertain as to the impact of this variant on USP7 function. Due to limited information, and based on ACMG/AMP guidelines for variant interpretation (Richards S et al., PMID: 25741868), the clinical significance of this variant is uncertain at this time.

NM_003470.3(USP7):c.2476G>T (p.Val826Phe)

Gene: USP7 (ubiquitin specific peptidase 7; minus strand). Cytogenetic location: 16p13.2.
Variant type: single nucleotide variant.
Coding change: c.2476G>T on transcript NM_003470.3 (MANE Select); coding-DNA position 2476, G replaced by T.
Protein change: p.Val826Phe; replaces valine 826 with phenylalanine.
Molecular consequence: missense variant. On other transcripts: non-coding transcript variant (1).
Genome position (GRCh38, 1-based): chr16:8,899,176, C>A on the plus strand (G>T on the coding strand, the complement: USP7 is on the minus strand). VCF-style: chr16-8899176-C-A. GRCh37 (hg19) VCF-style: chr16-8993033-C-A.
Other names: c.2179G>T, p.Val727Phe (NM_001286458.2); c.2302G>T, p.Val768Phe (NM_001321858.2); c.2428G>T, p.Val810Phe (NM_001286457.2); short protein forms V727F, V768F, V810F, V826F.
Identifiers: ClinVar variation 4879515 (VCV004879515.1).